The following is an entry in ClinVar:

ClinVar aggregate classification (germline): Benign/Likely benign. Review status: criteria provided, multiple submitters, no conflicts (2 of 4 stars). 4 submissions from 4 submitters: Benign (1); Likely benign (3). Last evaluated 2025-07-14.

Conditions:
Hereditary cancer-predisposing syndrome. Also called: Hereditary neoplastic syndrome; Neoplastic Syndromes, Hereditary; Tumor predisposition; Hereditary Cancer Syndrome. Identifiers: Orphanet 140162, MedGen C0027672, MeSH D009386, MONDO:0015356.
Familial cancer of breast. Also called: BREAST CANCER, FAMILIAL; Hereditary breast cancer; hereditary breast carcinoma. Identifiers: Orphanet 227535, MedGen C0346153, MONDO:0016419, OMIM 114480. Disease mechanism: loss of function.
Ataxia-telangiectasia syndrome (AT). Also called: LOUIS-BAR SYNDROME; Cerebello-oculocutaneous telangiectasia; Immunodeficiency with ataxia telangiectasia; AT, COMPLEMENTATION GROUP C; Ataxia-telangiectasia, complementation group D; ATAXIA-TELANGIECTASIA, COMPLEMENTATION GROUP A. Identifiers: Orphanet 100, MedGen C0004135, MONDO:0008840, OMIM 208900.

gnomAD v4.1: 3 of 1,613,580 alleles (0.00019%); highest among the groups gnomAD compares: East Asian, 0.0022%; no homozygotes.

Submissions (4):

Labcorp Genetics (formerly Invitae), Labcorp
Classification: Likely benign for Ataxia-telangiectasia syndrome. Last evaluated: 2025-07-14. Review status: criteria provided, single submitter. Criteria: Invitae Variant Classification Sherloc (09022015). Collection method: clinical testing. Allele origin: germline.

Myriad Genetics, Inc.
Classification: Benign for Familial cancer of breast. Last evaluated: 2024-05-17. Review status: criteria provided, single submitter. Criteria: Myriad Autosomal Dominant, Autosomal Recessive and X-Linked Classification Criteria (2023). Collection method: clinical testing. Allele origin: unknown.
Comment: This variant is considered benign. This variant is a silent/synonymous amino acid change and it is not expected to impact splicing.

Color Diagnostics, LLC DBA Color Health
Classification: Likely benign for Hereditary cancer-predisposing syndrome. Last evaluated: 2019-12-11. Review status: criteria provided, single submitter. Criteria: ACMG Guidelines, 2015. Collection method: clinical testing. Allele origin: germline.

Ambry Genetics
Classification: Likely benign for Hereditary cancer-predisposing syndrome. Last evaluated: 2016-11-28. Review status: criteria provided, single submitter. Criteria: Ambry Variant Classification Scheme 2023. Collection method: clinical testing. Allele origin: germline.

NM_000051.4(ATM):c.4323A>T (p.Ile1441=)

Gene: ATM (ATM serine/threonine kinase; plus strand). Cytogenetic location: 11q22.3.
Variant type: single nucleotide variant.
Coding change: c.4323A>T on transcript NM_000051.4 (MANE Select); coding-DNA position 4323, A replaced by T.
Protein change: p.Ile1441=; no amino-acid change (isoleucine 1441 retained).
Molecular consequence: synonymous variant.
Genome position (GRCh38, 1-based): chr11:108,289,688, A>T. VCF-style: chr11-108289688-A-T. GRCh37 (hg19) VCF-style: chr11-108160415-A-T.
Other names: c.4323A>T, p.Ile1441= (NM_001351834.2).
Identifiers: ClinVar variation 485211 (VCV000485211.18), dbSNP rs587779839, ClinGen allele CA476673918.